The following is an entry in ClinVar:

NM_001378457.1(DMXL2):c.7020A>G (p.Lys2340=)

Gene: DMXL2 (Dmx like 2; minus strand). Cytogenetic location: 15q21.2.
Variant type: single nucleotide variant.
Coding change: c.7020A>G on transcript NM_001378457.1 (MANE Select); coding-DNA position 7020, A replaced by G.
Protein change: p.Lys2340=; no amino-acid change (lysine 2340 retained).
Molecular consequence: synonymous variant. On other transcripts: non-coding transcript variant (2).
Genome position (GRCh38, 1-based): chr15:51,474,537, T>C on the plus strand (A>G on the coding strand, the complement: DMXL2 is on the minus strand). VCF-style: chr15-51474537-T-C. GRCh37 (hg19) VCF-style: chr15-51766734-T-C.
Other names: p.Lys2340=; c.7020A>G, p.Lys2340= (NM_001174116.3, NM_001378459.1, NM_001378461.1 and 1 more transcripts); c.5109A>G, p.Lys1703= (NM_001174117.3); c.7017A>G, p.Lys2339= (NM_001378458.1, NM_001378462.1, NM_015263.5); c.4998A>G, p.Lys1666= (NM_001378460.1); c.6777A>G, p.Lys2259= (NM_001378464.1); c.7020A>G (NM_001174116.2).
Identifiers: ClinVar variation 2578740 (VCV002578740.30), dbSNP rs753579065, ClinGen allele CA7561474.

ClinVar aggregate classification (germline): Likely benign. Review status: criteria provided, multiple submitters, no conflicts (2 of 4 stars). 4 submissions from 4 submitters: Likely benign (4). Last evaluated 2025-10-30.

Allele frequency attached by ClinVar (database versions not stated): ExAC 0.00001; TOPMed 0.00002; gnomAD 0.00004; gnomAD exomes 0.00005.
gnomAD v4.1: 75 of 1,613,978 alleles (0.0046%); highest among the groups gnomAD compares: Non-Finnish European, 0.0062%; no homozygotes.

Submissions (4):

Mayo Clinic Laboratories, Mayo Clinic
Classification: Likely benign. Last evaluated: 2025-10-30. Review status: criteria provided, single submitter. Criteria: ACMG Guidelines, 2015. Collection method: clinical testing. Allele origin: germline. Observed: 1 variant allele.
Comment: BP4, BP7

Labcorp Genetics (formerly Invitae), Labcorp
Classification: Likely benign. Last evaluated: 2024-10-09. Review status: criteria provided, single submitter. Criteria: Invitae Variant Classification Sherloc (09022015). Collection method: clinical testing. Allele origin: germline.

Blueprint Genetics
Classification: Likely benign. Last evaluated: 2024-08-12. Review status: criteria provided, single submitter. Criteria: ACMG Guidelines, 2015. Collection method: clinical testing. Allele origin: germline.

CeGaT Center for Human Genetics Tuebingen
Classification: Likely benign. Last evaluated: 2023-07-01. Review status: criteria provided, single submitter. Criteria: CeGaT Center For Human Genetics Tuebingen Variant Classification Criteria Version 2. Collection method: clinical testing. Allele origin: germline. Affected: yes. Observed: 1 variant allele.
Comment: DMXL2: BP4, BP7